The following is an entry in ClinVar:

ClinVar aggregate classification (germline): Uncertain significance (1 of 4 stars; one submission).

Conditions:
Ullrich congenital muscular dystrophy 2 (UCMD2). Identifiers: Orphanet 75840, MedGen C4225314, MONDO:0014654, OMIM 616470.
Bethlem myopathy 2 (BTHLM2). Identifiers: Orphanet 536516, Orphanet 610, MedGen C4225313, MONDO:0034022, OMIM 616471.

Allele frequency attached by ClinVar (database versions not stated): gnomAD exomes below 0.00001; gnomAD 0.00001; TOPMed 0.00001.
gnomAD v4.1: 2 of 1,565,598 alleles (0.00013%); highest among the groups gnomAD compares: African/African-American, 0.0014%; no homozygotes.

Submission:

Labcorp Genetics (formerly Invitae), Labcorp
Classification: Uncertain significance for Bethlem myopathy 2; Ullrich congenital muscular dystrophy 2. Last evaluated: 2023-05-22. Review status: criteria provided, single submitter. Criteria: Invitae Variant Classification Sherloc (09022015). Collection method: clinical testing. Allele origin: germline.
Comment: This variant is not present in population databases (gnomAD no frequency). This variant has not been reported in the literature in individuals affected with COL12A1-related conditions. Advanced modeling of protein sequence and biophysical properties (such as structural, functional, and spatial information, amino acid conservation, physicochemical variation, residue mobility, and thermodynamic stability) performed at Invitae indicates that this missense variant is not expected to disrupt COL12A1 protein function. In summary, the available evidence is currently insufficient to determine the role of this variant in disease. Therefore, it has been classified as a Variant of Uncertain Significance. This sequence change replaces aspartic acid, which is acidic and polar, with alanine, which is neutral and non-polar, at codon 2781 of the COL12A1 protein (p.Asp2781Ala).

NM_004370.6(COL12A1):c.8342A>C (p.Asp2781Ala)

Gene: COL12A1 (collagen type XII alpha 1 chain; minus strand). Cytogenetic location: 6q13.
Variant type: single nucleotide variant.
Coding change: c.8342A>C on transcript NM_004370.6 (MANE Select); coding-DNA position 8342, A replaced by C.
Protein change: p.Asp2781Ala; replaces aspartic acid 2781 with alanine.
Molecular consequence: missense variant.
Genome position (GRCh38, 1-based): chr6:75,102,670, T>G on the plus strand (A>C on the coding strand, the complement: COL12A1 is on the minus strand). VCF-style: chr6-75102670-T-G. GRCh37 (hg19) VCF-style: chr6-75812386-T-G.
Other names: c.8342A>C, p.Asp2781Ala (NM_001424113.1); c.8321A>C, p.Asp2774Ala (NM_001424114.1); c.8069A>C, p.Asp2690Ala (NM_001424115.1); c.4850A>C, p.Asp1617Ala (NM_001424116.1, NM_080645.3); short protein forms D2781A, D1617A, D2690A, D2774A.
Identifiers: ClinVar variation 2935074 (VCV002935074.3), dbSNP rs1197055761, ClinGen allele CA364739725.